The following is an entry in ClinVar:

NM_000038.6(APC):c.135+2T>C

Gene: APC (APC regulator of Wnt signaling pathway; plus strand). Cytogenetic location: 5q22.2.
Variant type: single nucleotide variant.
Coding change: c.135+2T>C on transcript NM_000038.6 (MANE Select); the canonical splice donor site of the intron after coding-DNA position 135, T replaced by C.
Molecular consequence: splice donor variant. On other transcripts: intron variant (11).
Genome position (GRCh38, 1-based): chr5:112,755,027, T>C. VCF-style: chr5-112755027-T-C. GRCh37 (hg19) VCF-style: chr5-112090724-T-C.
Other names: c.-901+2T>C (NM_001407470.1, NM_001407472.1, NM_001354906.2 and 1 more transcripts); c.135+2T>C (NM_001407447.1, NM_001354895.2, NM_001407456.1 and 16 more transcripts); c.166-11299T>C (NM_001407446.1, NM_001354897.2, NM_001354902.2 and 1 more transcripts); c.-42-11299T>C (NM_001407453.1, NM_001354900.2, NM_001354901.2 and 1 more transcripts); c.61-11299T>C (NM_001407451.1, NM_001354898.2, NM_001354904.2).
Identifiers: ClinVar variation 490194 (VCV000490194.14), dbSNP rs1554067164, ClinGen allele CA360617456.
Genomic context (GRCh38, chr5:112,755,027, plus strand): 5'-AGCTAGAAGATAATTCCAATCATCTTACAAAACTGGAAACTGAGGCATCTAATATGAAGG[T>C]ATCAAGACTGTGACTTTTAATTGTAGTTTATCCATTTTTATTCAGTATTCCCTCTTGTAA-3'

ClinVar aggregate classification (germline): Likely pathogenic. Review status: criteria provided, multiple submitters, no conflicts (2 of 4 stars). 5 submissions from 5 submitters: Likely pathogenic (4). 1 of the submissions does not count toward it. Last evaluated 2023-07-30.

Conditions:
Familial adenomatous polyposis 1 (FAP1). Also called: POLYPOSIS, ADENOMATOUS INTESTINAL; FAMILIAL ADENOMATOUS POLYPOSIS 1, ATTENUATED. Identifiers: MedGen C2713442, MONDO:0021056, OMIM 175100. Disease mechanism: loss of function.
Hereditary cancer-predisposing syndrome. Also called: Hereditary Cancer Syndrome; Neoplastic Syndromes, Hereditary; Tumor predisposition; Hereditary neoplastic syndrome. Identifiers: Orphanet 140162, MedGen C0027672, MeSH D009386, MONDO:0015356.

Submissions (5):

Labcorp Genetics (formerly Invitae), Labcorp
Classification: Likely pathogenic for Familial adenomatous polyposis 1. Last evaluated: 2023-07-30. Review status: criteria provided, single submitter. Criteria: Invitae Variant Classification Sherloc (09022015). Collection method: clinical testing. Allele origin: germline.
Comment: ClinVar contains an entry for this variant (Variation ID: 490194). This variant has not been reported in the literature in individuals affected with APC-related conditions. This variant is not present in population databases (gnomAD no frequency). This sequence change affects a donor splice site in intron 2 of the APC gene. RNA analysis indicates that disruption of this splice site induces altered splicing and may result in an absent or disrupted protein product. Studies have shown that disruption of this splice site results in activation of a cryptic splice site and introduces a premature termination codon (Invitae). The resulting mRNA is expected to undergo nonsense-mediated decay. In summary, the currently available evidence indicates that the variant is pathogenic, but additional data are needed to prove that conclusively. Therefore, this variant has been classified as Likely Pathogenic.

Myriad Genetics, Inc.
Classification: Likely pathogenic for Familial adenomatous polyposis 1. Last evaluated: 2023-04-24. Review status: criteria provided, single submitter. Criteria: Myriad Autosomal Dominant, Autosomal Recessive and X-Linked Classification Criteria (2023). Collection method: clinical testing. Allele origin: unknown.
Comment: This variant is considered likely pathogenic. This variant occurs within a consensus splice junction and is predicted to result in abnormal mRNA splicing of either an out-of-frame exon or an in-frame exon necessary for protein stability and/or normal function.

ARUP Laboratories, Molecular Genetics and Genomics, ARUP Laboratories
Classification: Likely pathogenic. Last evaluated: 2023-02-27. Review status: criteria provided, single submitter. Criteria: ARUP Molecular Germline Variant Investigation Process 2024. Collection method: clinical testing. Allele origin: germline.
Comment: The APC c.135+2T>C variant (rs1554067164), to our knowledge, is not reported in the medical literature but is reported in ClinVar (Variation ID: 490194). This variant is also absent from the Genome Aggregation Database, indicating it is not a common polymorphism. This variant disrupts the canonical splice donor site of intron 1, which is likely to negatively impact gene function. Based on available information, this variant is considered to be likely pathogenic.

Color Diagnostics, LLC DBA Color Health
Classification: Likely pathogenic for Hereditary cancer-predisposing syndrome. Last evaluated: 2019-08-22. Review status: criteria provided, single submitter. Criteria: ACMG Guidelines, 2015. Collection method: clinical testing. Allele origin: germline.
Comment: This variant causes a T>C nucleotide substitution at the +2 position of intron 2 of the APC gene. Splice site prediction tools predict that this variant may have a significant impact on RNA splicing. Although this prediction has not been confirmed in published RNA studies, this variant is expected to result in an absent or disrupted protein product. This variant has not been reported in individuals affected with hereditary cancer in the literature. This variant has not been identified in the general population by the Genome Aggregation Database (gnomAD). Loss of APC function is a known mechanism of disease. Based on the available evidence, this variant is classified as Likely Pathogenic.

Mayo Clinic Laboratories, Mayo Clinic
Classification: Likely pathogenic. Review status: no assertion criteria provided. Collection method: clinical testing. Allele origin: unknown. Observed: 1 variant allele. Not counted in ClinVar's aggregate classification.